The following is an entry in ClinVar:

ClinVar aggregate classification (germline): Likely pathogenic. Review status: criteria provided, multiple submitters, no conflicts (2 of 4 stars). 2 submissions from 2 submitters: Likely pathogenic (2). Last evaluated 2024-09-27.

Conditions:
Zellweger spectrum disorders (ZS). Also called: Zellweger syndrome; Zellweger Spectrum Disorder (ZSD); Zellweger Spectrum Disorder; Zellweger Spectrum. Identifiers: Orphanet 912, MedGen C0043459, MONDO:0019609.
Peroxisome biogenesis disorder. Identifiers: Orphanet 79189, MedGen C1832200, MONDO:0019234. Disease mechanism: loss of function.

Submissions (2):

Natera, Inc.
Classification: Likely pathogenic for Zellweger syndrome. Last evaluated: 2024-09-27. Review status: criteria provided, single submitter. Criteria: Natera Variant Classification Schema (03/2026). Collection method: clinical testing. Allele origin: germline.
Comment: The c.3311T>G variant in PEX1 is a nonsense variant predicted to introduce a stop codon at amino acid 1104. This variant is expected to result in nonsense mediated decay, truncation, or a dysfunctional protein product. This variant is rare in the general population with a frequency below the threshold expected for the associated phenotype(s). Given the available evidence, this variant is classified as Likely Pathogenic.

Myriad Genetics, Inc.
Classification: Likely pathogenic for Peroxisome biogenesis disorder. Last evaluated: 2021-12-20. Review status: criteria provided, single submitter. Criteria: Myriad Autosomal Dominant, Autosomal Recessive and X-Linked Classification Criteria (2023). Collection method: clinical testing. Allele origin: unknown.
Comment: NM_000466.2(PEX1):c.3311T>G(L1104*) is expected to be pathogenic in the context of peroxisome biogenesis disorder type 1. This variant is predicted to lead to an abnormal or absent protein product due to the creation of a premature termination codon in PEX1, a gene where loss-of-function variants are known to be pathogenic. Please note: this variant was assessed in the context of healthy population screening.

NM_000466.3(PEX1):c.3311T>G (p.Leu1104Ter)

Genes: GATAD1 (GATA zinc finger domain containing 1; plus strand), PEX1 (peroxisomal biogenesis factor 1; minus strand). Cytogenetic location: 7q21.2.
Variant type: single nucleotide variant.
Coding change: c.3311T>G on transcript NM_000466.3 (MANE Select); coding-DNA position 3311, T replaced by G.
Protein change: p.Leu1104Ter; replaces leucine 1104 with a stop codon.
Molecular consequence: nonsense.
Genome position (GRCh38, 1-based): chr7:92,491,399, A>C on the plus strand (T>G on the coding strand, the complement: PEX1 is on the minus strand). VCF-style: chr7-92491399-A-C. GRCh37 (hg19) VCF-style: chr7-92120713-A-C.
Other names: c.3140T>G, p.Leu1047Ter (NM_001282677.2); c.2687T>G, p.Leu896Ter (NM_001282678.2); c.3311T>G (NM_000466.2); short protein forms L1047*, L1104*, L896*.
Identifiers: ClinVar variation 1726545 (VCV001726545.4), dbSNP rs2484621318, ClinGen allele CA368164077.